The following is an entry in ClinVar:

NM_021072.4(HCN1):c.192_215dup (p.Gly67_Gly74dup)

Gene: HCN1 (hyperpolarization activated cyclic nucleotide gated potassium channel 1; minus strand). Cytogenetic location: 5p12.
Variant type: Duplication.
Coding change: c.192_215dup on transcript NM_021072.4 (MANE Select); coding-DNA positions 192 to 215, 24 bases duplicated (TGGCGGCGGTGGCGGCGGCGGCGG).
Protein change: p.Gly67_Gly74dup.
Molecular consequence: inframe insertion.
Genome position (GRCh38, 1-based): chr5:45,695,879-45,695,902, CCGCCGCCGCCGCCACCGCCGCCA duplicated on the plus strand (TGGCGGCGGTGGCGGCGGCGGCGG on the coding strand, the reverse complement: HCN1 is on the minus strand); duplicating any 24 consecutive bases within chr5:45,695,879-45,695,908 gives the same sequence; the c. name uses the placement nearest the transcript's 3' end. VCF-style (leftmost placement, unchanged base first): chr5-45695878-G-GCCGCCGCCGCCGCCACCGCCGCCA. GRCh37 (hg19) VCF-style: chr5-45695980-G-GCCGCCGCCGCCGCCACCGCCGCCA.
Identifiers: ClinVar variation 461367 (VCV000461367.12), dbSNP rs1554040132, ClinGen allele CA658657445.
Genomic context (GRCh38, chr5:45,695,878, plus strand): 5'-GCCGTACTGCCGCCGGGGCCCCTCGGCGTCTTCGAAGCCCCCCGCCGGCTCCTCGCCGCC[G>GCCGCCGCCGCCGCCACCGCCGCCA]CCGCCGCCGCCGCCACCGCCGCCACCGCCGTCCACCTTGAAGCACACGGAGTTGCCGTGC-3'

ClinVar aggregate classification (germline): Uncertain significance (1 of 4 stars; one submission).

Conditions:
Early-infantile DEE. Also called: Early infantile epileptic encephalopathy; Ohtahara syndrome; Early infantile epileptic encephalopathy with suppression bursts. Identifiers: Orphanet 1934, MedGen C0393706, MONDO:0800491.

Submission:

Labcorp Genetics (formerly Invitae), Labcorp
Classification: Uncertain significance for Early-infantile DEE. Last evaluated: 2025-05-18. Review status: criteria provided, single submitter. Criteria: Invitae Variant Classification Sherloc (09022015). Collection method: clinical testing. Allele origin: germline.
Comment: This variant, c.192_215dup, results in the insertion of 8 amino acid(s) of the HCN1 protein (p.Gly67_Gly74dup), but otherwise preserves the integrity of the reading frame. This variant is not present in population databases (gnomAD no frequency). This variant has not been reported in the literature in individuals affected with HCN1-related conditions. ClinVar contains an entry for this variant (Variation ID: 461367). Experimental studies and prediction algorithms are not available or were not evaluated, and the functional significance of this variant is currently unknown. In summary, the available evidence is currently insufficient to determine the role of this variant in disease. Therefore, it has been classified as a Variant of Uncertain Significance.